The following is an entry in ClinVar:

NM_181507.2(HPS5):c.1696del (p.Asp565_Leu566insTer)

Gene: HPS5 (HPS5 biogenesis of lysosomal organelles complex 2 subunit 2; minus strand). Cytogenetic location: 11p15.1.
Variant type: Deletion.
Coding change: c.1696del on transcript NM_181507.2 (MANE Select); coding-DNA position 1696, one base deleted (C; older notation c.1696delC).
Protein change: p.Asp565_Leu566insTer.
Molecular consequence: nonsense. On other transcripts: frameshift variant (1).
Genome position (GRCh38, 1-based): chr11:18,295,108, G deleted on the plus strand (C on the coding strand, the reverse complement: HPS5 is on the minus strand). VCF-style (leftmost placement, unchanged base first): chr11-18295107-AG-A. GRCh37 (hg19) VCF-style: chr11-18316654-AG-A.
Other names: c.1354del, p.Asp451_Leu452insTer (NM_007216.4); c.1354delC, p.Leu452Terfs (NM_181508.2).
Identifiers: ClinVar variation 2757188 (VCV002757188.3), dbSNP rs2494683377, ClinGen allele CA2697548486.
Genomic context (GRCh38, chr11:18,295,107, plus strand): 5'-TCTGAACTCACATCCTCTTCACATGATTGCTCATCACCCCTGAGCTCTGGTCTCACTTTC[AG>A]ATCAGGGCTCGTGTGAAGGGTGCCAATCTTCTCAGTAGTTTTACGCACAAAGCTAGAAAC-3'

ClinVar aggregate classification (germline): Pathogenic (1 of 4 stars; one submission).

Submission:

Labcorp Genetics (formerly Invitae), Labcorp
Classification: Pathogenic. Last evaluated: 2023-11-20. Review status: criteria provided, single submitter. Criteria: Invitae Variant Classification Sherloc (09022015). Collection method: clinical testing. Allele origin: germline.
Comment: This sequence change creates a premature translational stop signal (p.Leu566*) in the HPS5 gene. It is expected to result in an absent or disrupted protein product. Loss-of-function variants in HPS5 are known to be pathogenic (PMID: 12548288, 15296495, 21833017, 26785811). This variant is not present in population databases (gnomAD no frequency). This variant has not been reported in the literature in individuals affected with HPS5-related conditions. Algorithms developed to predict the effect of sequence changes on RNA splicing suggest that this variant may disrupt the consensus splice site. For these reasons, this variant has been classified as Pathogenic.

Literature cited by the submitters: PubMed 12548288; PubMed 15296495; PubMed 21833017; PubMed 26785811.